The following is an entry in ClinVar:

NM_004612.4(TGFBR1):c.973+142T>C

Gene: TGFBR1 (transforming growth factor beta receptor 1; plus strand). Cytogenetic location: 9q22.33.
Variant type: single nucleotide variant.
Coding change: c.973+142T>C on transcript NM_004612.4 (MANE Select); 142 bases into the intron after coding-DNA position 973, T replaced by C.
Molecular consequence: intron variant.
Genome position (GRCh38, 1-based): chr9:99,142,845, T>C. VCF-style: chr9-99142845-T-C. GRCh37 (hg19) VCF-style: chr9-101905127-T-C.
Other names: c.985+142T>C (NM_001306210.2); c.742+142T>C (NM_001130916.3).
Identifiers: ClinVar variation 674625 (VCV000674625.1), dbSNP rs10988724, ClinGen allele CA13099577.

ClinVar aggregate classification (germline): Benign (1 of 4 stars; one submission).

Allele frequency attached by ClinVar (database versions not stated): gnomAD exomes 0.00172; 1000 Genomes Project 0.01597; gnomAD 0.01621 and 0.01747; 1000 Genomes Project 30x 0.01671; TOPMed 0.01858.

Submission:

GeneDx
Classification: Benign. Last evaluated: 2018-06-14. Review status: criteria provided, single submitter. Criteria: GeneDx Variant Classification (06012015). Collection method: clinical testing. Allele origin: germline. Affected: yes.
Comment: This variant is considered likely benign or benign based on one or more of the following criteria: it is a conservative change, it occurs at a poorly conserved position in the protein, it is predicted to be benign by multiple in silico algorithms, and/or has population frequency not consistent with disease.